The following is an entry in ClinVar:

NM_152564.5(VPS13B):c.5612C>A (p.Thr1871Lys)

Gene: VPS13B (vacuolar protein sorting 13 homolog B; plus strand). Cytogenetic location: 8q22.2.
Variant type: single nucleotide variant.
Coding change: c.5612C>A on transcript NM_152564.5 (MANE Select); coding-DNA position 5612, C replaced by A.
Protein change: p.Thr1871Lys; replaces threonine 1871 with lysine.
Molecular consequence: missense variant.
Genome position (GRCh38, 1-based): chr8:99,642,202, C>A. VCF-style: chr8-99642202-C-A. GRCh37 (hg19) VCF-style: chr8-100654430-C-A.
Other names: c.5687C>A (NM_017890.3); c.5687C>A, p.Thr1896Lys (NM_017890.5); short protein forms T1896K, T1871K.
Identifiers: ClinVar variation 579721 (VCV000579721.11), dbSNP rs920484397, ClinGen allele CA183013590.
Genomic context (GRCh38, chr8:99,642,202, plus strand): 5'-ATCTCCCAGAAGTTGATTCAGATGTTGCTAAGCCCAACCAGGCATGTATTTCCACGGTGA[C>A]AGCAGAAGATCTCTTAAGGAGCAGCATTTCTTTTCCTTCAGGGAAAAAAATAGGGGTCCT-3'
Protein context (NP_689777.3, residues 1861-1881): KPNQACISTV[Thr1871Lys]AEDLLRSSIS

ClinVar aggregate classification (germline): Uncertain significance. Review status: criteria provided, multiple submitters, no conflicts (2 of 4 stars). 3 submissions from 3 submitters: Uncertain significance (2). 1 of the submissions does not count toward it. Last evaluated 2025-11-12.

Conditions:
Cohen syndrome (COH1). Also called: Cutis verticis gyrata, retinitis pigmentosa, and sensorineural deafness; PEPPER SYNDROME. Identifiers: Orphanet 193, MedGen C0265223, MONDO:0008999, OMIM 216550.
Inborn genetic diseases. Identifiers: MedGen C0950123, MeSH D030342.

Allele frequency attached by ClinVar (database versions not stated): gnomAD 0.00012; TOPMed 0.00023.
gnomAD v4.1: 23 of 1,614,016 alleles (0.0014%); highest among the groups gnomAD compares: Non-Finnish European, 0.00034%; no homozygotes.

Submissions (3):

Ambry Genetics
Classification: Uncertain significance for Inborn genetic diseases. Last evaluated: 2025-11-12. Review status: criteria provided, single submitter. Criteria: Ambry Variant Classification Scheme 2023. Collection method: clinical testing. Allele origin: germline.

Labcorp Genetics (formerly Invitae), Labcorp
Classification: Uncertain significance for Cohen syndrome. Last evaluated: 2022-08-23. Review status: criteria provided, single submitter. Criteria: Invitae Variant Classification Sherloc (09022015). Collection method: clinical testing. Allele origin: germline.
Comment: This sequence change replaces threonine, which is neutral and polar, with lysine, which is basic and polar, at codon 1896 of the VPS13B protein (p.Thr1896Lys). This variant is present in population databases (no rsID available, gnomAD 0.007%). This variant has not been reported in the literature in individuals affected with VPS13B-related conditions. ClinVar contains an entry for this variant (Variation ID: 579721). Algorithms developed to predict the effect of missense changes on protein structure and function are either unavailable or do not agree on the potential impact of this missense change (SIFT: "Not Available"; PolyPhen-2: "Probably Damaging"; Align-GVGD: "Not Available"). In summary, the available evidence is currently insufficient to determine the role of this variant in disease. Therefore, it has been classified as a Variant of Uncertain Significance.

Natera, Inc.
Classification: Uncertain significance for Cohen syndrome. Last evaluated: 2020-02-21. Review status: no assertion criteria provided. Collection method: clinical testing. Allele origin: germline. Not counted in ClinVar's aggregate classification.